The following is an entry in ClinVar:

ClinVar aggregate classification (germline): Pathogenic. Review status: reviewed by expert panel (3 of 4 stars). 7 submissions from 7 submitters: Pathogenic (1). 6 of the submissions do not count toward it. Last evaluated 2016-09-08.

Conditions:
Hereditary cancer-predisposing syndrome. Also called: Tumor predisposition; Neoplastic Syndromes, Hereditary; Hereditary Cancer Syndrome; Hereditary neoplastic syndrome. Identifiers: Orphanet 140162, MedGen C0027672, MeSH D009386, MONDO:0015356.
Hereditary breast ovarian cancer syndrome. Also called: Hereditary breast and ovarian cancer syndrome (HBOC); Hereditary breast and ovarian cancer syndrome; Hereditary breast and ovarian cancer; Hereditary breast and/or ovarian cancer syndrome; Breast and ovarian cancer; BRCA1- and BRCA2-Associated Hereditary Breast and Ovarian Cancer. Identifiers: Orphanet 145, MedGen C0677776, MeSH D061325, MONDO:0003582. Disease mechanism: loss of function.
Breast-ovarian cancer, familial, susceptibility to, 1 (BROVCA1). Also called: OVARIAN CANCER, SUSCEPTIBILITY TO; BRCA1 Hereditary Breast and Ovarian Cancer. Identifiers: Orphanet 145, MedGen C2676676, MONDO:0011450, OMIM 604370. Disease mechanism: loss of function.
Familial cancer of breast. Also called: Hereditary breast cancer; hereditary breast carcinoma; BREAST CANCER, FAMILIAL. Identifiers: Orphanet 227535, MedGen C0346153, MONDO:0016419, OMIM 114480. Disease mechanism: loss of function.

Submissions (7):

Evidence-based Network for the Interpretation of Germline Mutant Alleles (ENIGMA)
Classification: Pathogenic for Breast-ovarian cancer, familial, susceptibility to, 1. Last evaluated: 2016-09-08. Review status: reviewed by expert panel. Criteria: ENIGMA BRCA1/2 Classification Criteria (2015). Collection method: curation. Allele origin: germline.
Comment: Variant allele predicted to encode a truncated non-functional protein.

Quest Diagnostics Nichols Institute San Juan Capistrano
Classification: Pathogenic. Last evaluated: 2025-08-23. Review status: criteria provided, single submitter. Criteria: Quest Diagnostics criteria. Collection method: clinical testing. Allele origin: unknown. Not counted in ClinVar's aggregate classification.
Comment: The BRCA1 c.1952del (p.Lys651Argfs*50) variant (also known as 2069delA) alters the translational reading frame of the BRCA1 mRNA and causes the premature termination of BRCA1 protein synthesis. In the published literature, this variant has been reported in cohorts of individuals with a personal or family history of breast and/or ovarian cancer (PMID: 9150149 (1997), 29446198 (2018)). This variant has not been reported in large, multi-ethnic general populations (Genome Aggregation Database). Based on the available information, this variant is classified as pathogenic.

Labcorp Genetics (formerly Invitae), Labcorp
Classification: Pathogenic for Hereditary breast ovarian cancer syndrome. Last evaluated: 2025-07-09. Review status: criteria provided, single submitter. Criteria: Invitae Variant Classification Sherloc (09022015). Collection method: clinical testing. Allele origin: germline. Not counted in ClinVar's aggregate classification.
Comment: This sequence change creates a premature translational stop signal (p.Lys651Argfs*50) in the BRCA1 gene. It is expected to result in an absent or disrupted protein product. Loss-of-function variants in BRCA1 are known to be pathogenic (PMID: 20104584). This variant is not present in population databases (gnomAD no frequency). This premature translational stop signal has been observed in individual(s) with personal and/or family history of breast and/or ovarian cancer (PMID: 9150149). This variant is also known as 2069delA. ClinVar contains an entry for this variant (Variation ID: 54410). For these reasons, this variant has been classified as Pathogenic.

Ambry Genetics
Classification: Pathogenic for Hereditary cancer-predisposing syndrome. Last evaluated: 2025-03-18. Review status: criteria provided, single submitter. Criteria: Ambry Variant Classification Scheme 2023. Collection method: clinical testing. Allele origin: germline. Not counted in ClinVar's aggregate classification.
Comment: The c.1952delA pathogenic mutation, located in coding exon 9 of the BRCA1 gene, results from a deletion of one nucleotide at nucleotide position 1952, causing a translational frameshift with a predicted alternate stop codon (p.K651Rfs*50). This variant was reported in individual(s) with features consistent with BRCA1-related cancer predisposition in at least one individual (Stoppa-Lyonnet D et al. Am J Hum Genet, 1997 May;60:1021-30). This variant is considered to be rare based on population cohorts in the Genome Aggregation Database (gnomAD). This alteration is expected to result in loss of function by premature protein truncation or nonsense-mediated mRNA decay. As such, this alteration is interpreted as a disease-causing mutation.

Color Diagnostics, LLC DBA Color Health
Classification: Pathogenic for Hereditary cancer-predisposing syndrome. Last evaluated: 2023-10-04. Review status: criteria provided, single submitter. Criteria: ACMG Guidelines, 2015. Collection method: clinical testing. Allele origin: germline. Not counted in ClinVar's aggregate classification.
Comment: This variant deletes 1 basepair in exon 10 in the BRCA1 gene, creating a premature translation termination codon. This variant is expected to cause an absent or non-functional protein product. This variant has been reported in a family with members affected with breast cancer and both breast and ovarian cancer (PMID: 9150149). This variant has not been identified in the general population by the Genome Aggregation Database (gnomAD). Loss of BRCA1 function is a known mechanism of disease. Based on the available evidence, this variant is classified as Pathogenic.

Consortium of Investigators of Modifiers of BRCA1/2 (CIMBA), c/o University of Cambridge
Classification: Pathogenic for Breast-ovarian cancer, familial, susceptibility to, 1. Last evaluated: 2015-10-02. Review status: criteria provided, single submitter. Criteria: CIMBA Mutation Classification guidelines May 2016. Collection method: clinical testing. Allele origin: germline. Not counted in ClinVar's aggregate classification.

GeneDx
Classification: Pathogenic for Familial cancer of breast. Last evaluated: 2013-11-05. Review status: criteria provided, single submitter. Criteria: GeneDx Variant Classification (06012015). Collection method: clinical testing. Allele origin: germline. Affected: yes. Not counted in ClinVar's aggregate classification.
Comment: This variant is denoted BRCA1 c.1952delA at the cDNA level or p.Lys651ArgfsX50 (K651RfsX50) at the protein level. The surrounding sequence is: ATAA{delA}GAAA. The deletion is a frameshift mutation, changing a Lysine residue to an Arginine residue at codon 651, and creating a premature stop codon at position 50 of the new reading frame. BRCA1 c.1952delA is predicted to cause loss of normal protein function either through protein truncation or nonsense-mediated mRNA decay. This deletion, denoted as 2069delA in the following publication using alternative nomenclature, has been reported in association with familial breast and ovarian cancer (Stoppa-Lyonet 1997). and is indicative of Hereditary Breast and Ovarian Cancer (HBOC) syndrome, an autosomal dominant condition that predisposes to breast and ovarian cancer as well as other cancers. The predominant BRCA1-related cancer risks for women who have not been diagnosed with cancer have been estimated to be 57% - 84% lifetime risk for breast cancer and 24% - 54% lifetime risk for ovarian cancer (Antoniou 2003, Chen 2007, Ford 1998). BRCA1 mutations have also been reported in women with fallopian tube carcinoma, primary peritoneal carcinoma, and uterine serous carcinoma (Levine 2003, Pennington 2013). Women with BRCA1/2 mutations also have an increased risk for contralateral breast cancer. Women with BRCA mutations whose first cancer was diagnosed under age 40 have a 21-31% risk to develop a second breast cancer within 10 years and a 63% risk to develop a second breast cancer within 25 years. Women with BRCA mutations whose first cancer was diagnosed between ages 40 and 50 have an 11-13% risk to develop a second breast cancer within 10 years and a 44-49% risk within 25 years. Women with BRCA mutations whose first cancer was diagnosed after age 50 have an 8% risk to develop a second breast cancer within 10 years and a 20% risk within 25 years (Graeser 2009). Other cancer risks associated with a BRCA1 mutation include approximately 3% risk for pancreatic cancer (The Breast Cancer Linkage Consortium 1999), a 20% risk for prostate cancer (Thompson 2002), and 4% risk for male breast cancer (Liede 2004). The variant is found in BRCA1-BRCA2 panel(s).

Literature cited by the submitters: PubMed 29446198 (cited by Quest Diagnostics Nichols Institute San Juan Capistrano); PubMed 9150149 (cited by 4 submitters); PubMed 20104584 (cited by Labcorp Genetics (formerly Invitae), Labcorp).

NM_007294.4(BRCA1):c.1952del (p.Lys651fs)

Gene: BRCA1 (BRCA1 DNA repair associated; minus strand). Cytogenetic location: 17q21.31.
Variant type: Deletion.
Coding change: c.1952del on transcript NM_007294.4 (MANE Select); coding-DNA position 1952, one base deleted (A; older notation c.1952delA).
Protein change: p.Lys651fs; shifts the reading frame from lysine 651.
Molecular consequence: frameshift variant. On other transcripts: intron variant (137).
Genome position (GRCh38, 1-based): chr17:43,093,579, T deleted on the plus strand (A on the coding strand, the reverse complement: BRCA1 is on the minus strand); the first of 3 consecutive T bases (chr17:43,093,579-43,093,581); deleting any one gives the same sequence. VCF-style (leftmost placement, unchanged base first): chr17-43093578-CT-C. GRCh37 (hg19) VCF-style: chr17-41245595-CT-C.
Other names: c.1952delA (NM_007294.3); c.1739del, p.Lys580fs (NM_001407571.1, NM_001407853.1, NM_001407894.1 and 9 more transcripts); c.1952del, p.Lys651fs (NM_001407581.1, NM_001407582.1, NM_001407583.1 and 30 more transcripts); c.1949del, p.Lys650fs (NM_001407587.1, NM_001407590.1, NM_001407591.1 and 22 more transcripts); c.1943del, p.Lys648fs (NM_001407646.1, NM_001407647.1); c.1829del, p.Lys610fs (NM_001407648.1, NM_001407664.1, NM_001407665.1 and 19 more transcripts); c.1826del, p.Lys609fs (NM_001407649.1, NM_001407670.1, NM_001407671.1 and 11 more transcripts); c.1874del, p.Lys625fs (NM_001407653.1, NM_001407654.1, NM_001407655.1 and 4 more transcripts); and 41 more; short protein forms K604fs, K651fs, K483fs, K562fs, K583fs, K648fs, K355fs, K523fs.
Identifiers: ClinVar variation 54410 (VCV000054410.18), dbSNP rs80357885, ClinGen allele CA001291.
Genomic context (GRCh38, chr17:43,093,578, plus strand): 5'-ACCTTCCATGAGTTGTAGGTTTCTGCTGTGCCTGACTGGCATTTGGTTGTACTTTTTTTT[CT>C]TTATCTCTTCACTGCTAGAACAACTATCAATTTGCAATTCAGTACAATTAGGTGGGCTTA-3'